The following is an entry in ClinVar:

NM_172107.4(KCNQ2):c.761A>G (p.Glu254Gly)

Gene: KCNQ2 (potassium voltage-gated channel subfamily Q member 2; minus strand). Cytogenetic location: 20q13.33.
Variant type: single nucleotide variant.
Coding change: c.761A>G on transcript NM_172107.4 (MANE Select); coding-DNA position 761, A replaced by G.
Protein change: p.Glu254Gly; replaces glutamic acid 254 with glycine.
Molecular consequence: missense variant.
Genome position (GRCh38, 1-based): chr20:63,442,461, T>C on the plus strand (A>G on the coding strand, the complement: KCNQ2 is on the minus strand). VCF-style: chr20-63442461-T-C. GRCh37 (hg19) VCF-style: chr20-62073814-T-C.
Other names: c.761A>G, p.Glu254Gly (NM_004518.6, NM_172106.3, NM_172108.5 and 1 more transcripts); short protein forms E254G.
Identifiers: ClinVar variation 197889 (VCV000197889.16), dbSNP rs794727739, ClinGen allele CA246275.
Genomic context (GRCh38, chr20:63,442,461, plus strand): 5'-CTCACCAGGCCCCACCAGAGTGCATCCGCGTAGGTGTCAAAGTGGTCGTTCTCCCCCTTC[T>C]CTGCCAAGTACACCAGGAACGAGGCCAGGATGAGACAAAGGAAGCCGATGTACCAGGCAG-3'
Protein context (NP_742105.1, residues 244-264): ILASFLVYLA[Glu254Gly]KGENDHFDTY

ClinVar aggregate classification (germline): Conflicting classifications of pathogenicity. Review status: criteria provided, conflicting classifications (1 of 4 stars). 2 submissions from 2 submitters: Pathogenic (1); Uncertain significance (1). Last evaluated 2025-11-03.

Conditions:
Early-infantile DEE. Also called: Early infantile epileptic encephalopathy; Early infantile epileptic encephalopathy with suppression bursts; Ohtahara syndrome. Identifiers: Orphanet 1934, MedGen C0393706, MONDO:0800491.

Submissions (2):

Labcorp Genetics (formerly Invitae), Labcorp
Classification: Pathogenic for Early-infantile DEE. Last evaluated: 2025-11-03. Review status: criteria provided, single submitter. Criteria: Invitae Variant Classification Sherloc (09022015). Collection method: clinical testing. Allele origin: germline.
Comment: This sequence change replaces glutamic acid, which is acidic and polar, with glycine, which is neutral and non-polar, at codon 254 of the KCNQ2 protein (p.Glu254Gly). This variant is not present in population databases (gnomAD no frequency). This missense change has been observed in individual(s) with developmental and epileptic encephalopathy (internal data). In at least one individual the variant was observed to be de novo. ClinVar contains an entry for this variant (Variation ID: 197889). Invitae Evidence Modeling of protein sequence and biophysical properties (such as structural, functional, and spatial information, amino acid conservation, physicochemical variation, residue mobility, and thermodynamic stability) indicates that this missense variant is expected to disrupt KCNQ2 protein function with a positive predictive value of 95%. For these reasons, this variant has been classified as Pathogenic.

Eurofins Ntd Llc (ga)
Classification: Uncertain significance. Last evaluated: 2014-05-09. Review status: criteria provided, single submitter. Criteria: EGL Classification Definitions 2015. Collection method: clinical testing. Allele origin: germline. Observed: 1 variant allele, 1 heterozygote.